The following is an entry in ClinVar:

ClinVar aggregate classification (germline): Likely benign (1 of 4 stars; one submission).

Submission:

CeGaT Center for Human Genetics Tuebingen
Classification: Likely benign. Last evaluated: 2023-10-01. Review status: criteria provided, single submitter. Criteria: CeGaT Center For Human Genetics Tuebingen Variant Classification Criteria Version 2. Collection method: clinical testing. Allele origin: germline. Affected: yes. Observed: 1 variant allele.
Comment: MOS: PM2:Supporting, BP4, BP7

NM_005372.1(MOS):c.366T>A (p.Ala122=)

Gene: MOS (MOS proto-oncogene, serine/threonine kinase; minus strand). Cytogenetic location: 8q12.1.
Variant type: single nucleotide variant.
Coding change: c.366T>A on transcript NM_005372.1 (MANE Select); coding-DNA position 366, T replaced by A.
Protein change: p.Ala122=; no amino-acid change (alanine 122 retained).
Molecular consequence: synonymous variant.
Genome position (GRCh38, 1-based): chr8:56,113,617, A>T on the plus strand (T>A on the coding strand, the complement: MOS is on the minus strand). VCF-style: chr8-56113617-A-T. GRCh37 (hg19) VCF-style: chr8-57026176-A-T.
Identifiers: ClinVar variation 2658610 (VCV002658610.24), dbSNP rs2487036238, ClinGen allele CA461101997.